The following is an entry in ClinVar:

ClinVar aggregate classification (germline): Uncertain significance. Review status: criteria provided, multiple submitters, no conflicts (2 of 4 stars). 2 submissions from 2 submitters: Uncertain significance (2). Last evaluated 2025-05-09.

gnomAD v4.1: 1 of 1,613,882 alleles (0.000062%); highest among the groups gnomAD compares: Non-Finnish European, 0.000085%; no homozygotes.

Submissions (2):

GeneDx
Classification: Uncertain significance. Last evaluated: 2025-05-09. Review status: criteria provided, single submitter. Criteria: GeneDx Variant Classification Process June 2021. Collection method: clinical testing. Allele origin: germline. Affected: yes.
Comment: Not observed at significant frequency in large population cohorts (gnomAD); In silico analysis supports that this missense variant has a deleterious effect on protein structure/function; Has not been previously published as pathogenic or benign to our knowledge

Labcorp Genetics (formerly Invitae), Labcorp
Classification: Uncertain significance. Last evaluated: 2024-06-28. Review status: criteria provided, single submitter. Criteria: Invitae Variant Classification Sherloc (09022015). Collection method: clinical testing. Allele origin: germline.
Comment: This sequence change replaces glycine, which is neutral and non-polar, with arginine, which is basic and polar, at codon 1387 of the CACNA1B protein (p.Gly1387Arg). This variant is not present in population databases (gnomAD no frequency). This variant has not been reported in the literature in individuals affected with CACNA1B-related conditions. Advanced modeling of protein sequence and biophysical properties (such as structural, functional, and spatial information, amino acid conservation, physicochemical variation, residue mobility, and thermodynamic stability) performed at Invitae indicates that this missense variant is expected to disrupt CACNA1B protein function with a positive predictive value of 80%. In summary, the available evidence is currently insufficient to determine the role of this variant in disease. Therefore, it has been classified as a Variant of Uncertain Significance.

NM_000718.4(CACNA1B):c.4159G>A (p.Gly1387Arg)

Gene: CACNA1B (calcium voltage-gated channel subunit alpha1 B; plus strand). Cytogenetic location: 9q34.3.
Variant type: single nucleotide variant.
Coding change: c.4159G>A on transcript NM_000718.4 (MANE Select); coding-DNA position 4159, G replaced by A.
Protein change: p.Gly1387Arg; replaces glycine 1387 with arginine.
Molecular consequence: missense variant.
Genome position (GRCh38, 1-based): chr9:138,058,101, G>A. VCF-style: chr9-138058101-G-A. GRCh37 (hg19) VCF-style: chr9-140952553-G-A.
Other names: c.4159G>A (NM_000718.3); c.4159G>A, p.Gly1387Arg (NM_001243812.2); short protein forms G1387R.
Identifiers: ClinVar variation 3618453 (VCV003618453.3).